The following is an entry in ClinVar:

NM_014244.5(ADAMTS2):c.1431G>A (p.Ala477=)

Gene: ADAMTS2 (ADAM metallopeptidase with thrombospondin type 1 motif 2; minus strand). Cytogenetic location: 5q35.3.
Variant type: single nucleotide variant.
Coding change: c.1431G>A on transcript NM_014244.5 (MANE Select); coding-DNA position 1431, G replaced by A.
Protein change: p.Ala477=; no amino-acid change (alanine 477 retained).
Molecular consequence: synonymous variant.
Genome position (GRCh38, 1-based): chr5:179,153,575, C>T on the plus strand (G>A on the coding strand, the complement: ADAMTS2 is on the minus strand). VCF-style: chr5-179153575-C-T. GRCh37 (hg19) VCF-style: chr5-178580576-C-T.
Other names: c.1431G>A, p.Ala477= (NM_021599.4).
Identifiers: ClinVar variation 353122 (VCV000353122.50), dbSNP rs147259971, ClinGen allele CA3595914.

ClinVar aggregate classification (germline): Conflicting classifications of pathogenicity. Review status: criteria provided, conflicting classifications (1 of 4 stars). 7 submissions from 7 submitters: Uncertain significance (1); Likely benign (5). 1 of the submissions does not count toward it. Last evaluated 2026-01-14.

Conditions:
Ehlers-Danlos syndrome, dermatosparaxis type. Also called: EDS VIIC; Dermatosparaxis; Ehlers-Danlos syndrome, type VII, autosomal recessive. Identifiers: Orphanet 1901, MedGen C2700425, MONDO:0009161, OMIM 225410.

Allele frequency attached by ClinVar (database versions not stated): gnomAD 0.00010; TOPMed 0.00027; ExAC 0.00030; ESP Exome Variant Server 0.00031; gnomAD exomes 0.00037.
gnomAD v4.1: 539 of 1,608,706 alleles (0.034%); highest among the groups gnomAD compares: Non-Finnish European, 0.032%; no homozygotes.

Submissions (7):

Labcorp Genetics (formerly Invitae), Labcorp
Classification: Likely benign for Ehlers-Danlos syndrome, dermatosparaxis type. Last evaluated: 2026-01-14. Review status: criteria provided, single submitter. Criteria: Invitae Variant Classification Sherloc (09022015). Collection method: clinical testing. Allele origin: germline.

Women's Health and Genetics/Laboratory Corporation of America, LabCorp
Classification: Likely benign. Last evaluated: 2025-06-02. Review status: criteria provided, single submitter. Criteria: LabCorp Variant Classification Summary - May 2015. Collection method: clinical testing. Allele origin: germline.

Blueprint Genetics
Classification: Likely benign. Last evaluated: 2024-08-29. Review status: criteria provided, single submitter. Criteria: ACMG Guidelines, 2015. Collection method: clinical testing. Allele origin: germline.

CeGaT Center for Human Genetics Tuebingen
Classification: Likely benign. Last evaluated: 2022-10-01. Review status: criteria provided, single submitter. Criteria: CeGaT Center For Human Genetics Tuebingen Variant Classification Criteria Version 2. Collection method: clinical testing. Allele origin: germline. Affected: yes. Observed: 2 variant alleles.
Comment: ADAMTS2: BP4, BP7

GeneDx
Classification: Likely benign. Last evaluated: 2020-11-24. Review status: criteria provided, single submitter. Criteria: GeneDx Variant Classification Process June 2021. Collection method: clinical testing. Allele origin: germline. Affected: yes.

Illumina Laboratory Services, Illumina
Classification: Uncertain significance for Ehlers-Danlos syndrome, dermatosparaxis type. Last evaluated: 2018-01-13. Review status: criteria provided, single submitter. Criteria: ICSL Variant Classification Criteria 13 December 2019. Collection method: clinical testing. Allele origin: germline.

Natera, Inc.
Classification: Benign for Ehlers-Danlos syndrome type VIIC. Last evaluated: 2020-04-20. Review status: no assertion criteria provided. Collection method: clinical testing. Allele origin: germline. Not counted in ClinVar's aggregate classification.